The following is an entry in ClinVar:

ClinVar aggregate classification (germline): Pathogenic. Review status: criteria provided, multiple submitters, no conflicts (2 of 4 stars). 3 submissions from 3 submitters: Pathogenic (2). 1 of the submissions does not count toward it. Last evaluated 2020-11-18.

Conditions:
Stargardt disease (FFM). Also called: Stargardt's disease; Fundus flavimaculatus. Identifiers: Orphanet 827, MedGen C0271093, MONDO:0019353.
Retinal dystrophy. Also called: Inherited retinal dystrophy. Identifiers: Orphanet 71862, MedGen C0854723, MeSH D058499, MONDO:0019118, HP:0000556.

Submissions (3):

Labcorp Genetics (formerly Invitae), Labcorp
Classification: Pathogenic. Last evaluated: 2020-11-18. Review status: criteria provided, single submitter. Criteria: Invitae Variant Classification Sherloc (09022015). Collection method: clinical testing. Allele origin: germline.
Comment: This sequence change creates a premature translational stop signal (p.Tyr1723*) in the ABCA4 gene. It is expected to result in an absent or disrupted protein product. This variant is not present in population databases (ExAC no frequency). This variant has been observed in individual(s) with clinical features of ABCA4-related conditions (PMID: 24713488). ClinVar contains an entry for this variant (Variation ID: 812200). Algorithms developed to predict the effect of sequence changes on RNA splicing suggest that this variant may create or strengthen a splice site, but this prediction has not been confirmed by published transcriptional studies. Loss-of-function variants in ABCA4 are known to be pathogenic (PMID: 10958761, 24938718, 25312043, 26780318). For these reasons, this variant has been classified as Pathogenic.

Institute of Human Genetics, Univ. Regensburg, Univ. Regensburg
Classification: Pathogenic for Retinal dystrophy. Last evaluated: 2017-01-01. Review status: criteria provided, single submitter. Criteria: ACMG Guidelines, 2015. Collection method: clinical testing. Allele origin: germline. Affected: yes.

Sharon lab, Hadassah-Hebrew University Medical Center
Classification: Pathogenic for Stargardt disease. Last evaluated: 2019-06-23. Review status: no assertion criteria provided. Collection method: research. Allele origin: inherited. Affected: yes. Not counted in ClinVar's aggregate classification.

Literature cited by the submitters: PubMed 24713488 (cited by Labcorp Genetics (formerly Invitae), Labcorp and Institute of Human Genetics, Univ. Regensburg, Univ. Regensburg); PubMed 10958761 (cited by Labcorp Genetics (formerly Invitae), Labcorp); PubMed 24938718 (cited by Labcorp Genetics (formerly Invitae), Labcorp); PubMed 25312043 (cited by Labcorp Genetics (formerly Invitae), Labcorp); PubMed 26780318 (cited by Labcorp Genetics (formerly Invitae), Labcorp); PubMed 3145629 (cited by Institute of Human Genetics, Univ. Regensburg, Univ. Regensburg).

NM_000350.3(ABCA4):c.5169C>G (p.Tyr1723Ter)

Gene: ABCA4 (ATP binding cassette subfamily A member 4; minus strand). Cytogenetic location: 1p22.1.
Variant type: single nucleotide variant.
Coding change: c.5169C>G on transcript NM_000350.3 (MANE Select); coding-DNA position 5169, C replaced by G.
Protein change: p.Tyr1723Ter; replaces tyrosine 1723 with a stop codon.
Molecular consequence: nonsense.
Genome position (GRCh38, 1-based): chr1:94,019,609, G>C on the plus strand (C>G on the coding strand, the complement: ABCA4 is on the minus strand). VCF-style: chr1-94019609-G-C. GRCh37 (hg19) VCF-style: chr1-94485165-G-C.
Other names: c.4947C>G, p.Tyr1649Ter (NM_001425324.1); short protein forms Y1723*, Y1649*.
Identifiers: ClinVar variation 812200 (VCV000812200.10), dbSNP rs1437993640, ClinGen allele CA341282564.
Genomic context (GRCh38, chr1:94,019,609, plus strand): 5'-GAGGGGAGGGAGGCGCTGTAAACTGACACTTACGATGTCCCAGAGGAAGTTGGTCACCCA[G>C]TAGGTGGTGGGGCTCACTCCACTGATAAACTGGAGGTGCTTGGATTTGTTCACCCGCTCC-3'